The following is an entry in ClinVar:

NM_002734.5(PRKAR1A):c.463T>C (p.Ser155Pro)

Gene: PRKAR1A (protein kinase cAMP-dependent type I regulatory subunit alpha; plus strand). Cytogenetic location: 17q24.2.
Variant type: single nucleotide variant.
Coding change: c.463T>C on transcript NM_002734.5 (MANE Select); coding-DNA position 463, T replaced by C.
Protein change: p.Ser155Pro; replaces serine 155 with proline.
Molecular consequence: missense variant.
Genome position (GRCh38, 1-based): chr17:68,524,038, T>C. VCF-style: chr17-68524038-T-C. GRCh37 (hg19) VCF-style: chr17-66520179-T-C.
Other names: c.463T>C, p.Ser155Pro (NM_001276289.2, NM_001276290.1, NM_001278433.2 and 4 more transcripts); short protein forms S155P.
Identifiers: ClinVar variation 1972753 (VCV001972753.5), dbSNP rs2085703582, ClinGen allele CA400752826.

ClinVar aggregate classification (germline): Uncertain significance (1 of 4 stars; one submission).

Conditions:
Carney complex, type 1 (CNC1). Also called: CARNEY MYXOMA-ENDOCRINE COMPLEX; CARNEY COMPLEX, TYPE I. Identifiers: Orphanet 1359, MedGen C2607929, MONDO:0008057, OMIM 160980.

Allele frequency attached by ClinVar (database versions not stated): gnomAD 0.00001.
gnomAD v4.1: 1 of 1,614,024 alleles (0.000062%); highest among the groups gnomAD compares: South Asian, 0.0011%; no homozygotes.

Submission:

Labcorp Genetics (formerly Invitae), Labcorp
Classification: Uncertain significance for Carney complex, type 1. Last evaluated: 2022-05-05. Review status: criteria provided, single submitter. Criteria: Invitae Variant Classification Sherloc (09022015). Collection method: clinical testing. Allele origin: germline.
Comment: This variant is not present in population databases (gnomAD no frequency). This sequence change replaces serine, which is neutral and polar, with proline, which is neutral and non-polar, at codon 155 of the PRKAR1A protein (p.Ser155Pro). This variant has not been reported in the literature in individuals affected with PRKAR1A-related conditions. In summary, the available evidence is currently insufficient to determine the role of this variant in disease. Therefore, it has been classified as a Variant of Uncertain Significance. Algorithms developed to predict the effect of missense changes on protein structure and function output the following: SIFT: "Tolerated"; PolyPhen-2: "Benign"; Align-GVGD: "Class C0". The proline amino acid residue is found in multiple mammalian species, which suggests that this missense change does not adversely affect protein function.